The following is an entry in ClinVar:

NM_015346.4(ZFYVE26):c.4072C>T (p.Arg1358Cys)

Gene: ZFYVE26 (zinc finger FYVE-type containing 26; minus strand). Cytogenetic location: 14q24.1.
Variant type: single nucleotide variant.
Coding change: c.4072C>T on transcript NM_015346.4 (MANE Select); coding-DNA position 4072, C replaced by T.
Protein change: p.Arg1358Cys; replaces arginine 1358 with cysteine.
Molecular consequence: missense variant.
Genome position (GRCh38, 1-based): chr14:67,783,080, G>A on the plus strand (C>T on the coding strand, the complement: ZFYVE26 is on the minus strand). VCF-style: chr14-67783080-G-A. GRCh37 (hg19) VCF-style: chr14-68249797-G-A.
Other names: short protein forms R1358C.
Identifiers: ClinVar variation 313899 (VCV000313899.8), dbSNP rs754621080, ClinGen allele CA7239841.

ClinVar aggregate classification (germline): Uncertain significance. Review status: criteria provided, multiple submitters, no conflicts (2 of 4 stars). 3 submissions from 3 submitters: Uncertain significance (3). Last evaluated 2022-08-23.

Conditions:
Spastic paraplegia. Identifiers: MedGen C0037772, HP:0001258.
Hereditary spastic paraplegia 15 (SPG15). Also called: SPASTIC PARAPLEGIA 15, AUTOSOMAL RECESSIVE; KJELLIN SYNDROME; SPASTIC PARAPLEGIA AND RETINAL DEGENERATION. Identifiers: Orphanet 100996, MedGen C1849128, MONDO:0010044, OMIM 270700.

Allele frequency attached by ClinVar (database versions not stated): gnomAD 0.00002 and 0.00003; gnomAD exomes 0.00003 and 0.00004; TOPMed 0.00003; ExAC 0.00004.
gnomAD v4.1: 45 of 1,613,638 alleles (0.0028%); highest among the groups gnomAD compares: Middle Eastern, 0.033%; no homozygotes.

Submissions (3):

Labcorp Genetics (formerly Invitae), Labcorp
Classification: Uncertain significance for Spastic paraplegia. Last evaluated: 2022-08-23. Review status: criteria provided, single submitter. Criteria: Invitae Variant Classification Sherloc (09022015). Collection method: clinical testing. Allele origin: germline.
Comment: This sequence change replaces arginine, which is basic and polar, with cysteine, which is neutral and slightly polar, at codon 1358 of the ZFYVE26 protein (p.Arg1358Cys). This variant is present in population databases (rs754621080, gnomAD 0.03%). This variant has not been reported in the literature in individuals affected with ZFYVE26-related conditions. ClinVar contains an entry for this variant (Variation ID: 313899). Algorithms developed to predict the effect of missense changes on protein structure and function are either unavailable or do not agree on the potential impact of this missense change (SIFT: "Deleterious"; PolyPhen-2: "Benign"; Align-GVGD: "Class C0"). In summary, the available evidence is currently insufficient to determine the role of this variant in disease. Therefore, it has been classified as a Variant of Uncertain Significance.

Illumina Laboratory Services, Illumina
Classification: Uncertain significance for Hereditary spastic paraplegia 15. Last evaluated: 2018-01-13. Review status: criteria provided, single submitter. Criteria: ICSL Variant Classification Criteria 13 December 2019. Collection method: clinical testing. Allele origin: germline.

Breakthrough Genomics
Classification: Uncertain significance. Review status: criteria provided, single submitter. Criteria: ACMG Guidelines, 2015. Collection method: not provided. Allele origin: germline. Inheritance: Autosomal recessive inheritance. Affected: yes.